The following is an entry in ClinVar:

NC_012920.1(MT-TL2):m.12281C>T

Gene: MT-TL2 (mitochondrially encoded tRNA leucine 2 (CUN); plus strand).
Variant type: single nucleotide variant.
Genome position: chrM-12281-C-T.
Identifiers: ClinVar variation 690186 (VCV000690186.1), dbSNP rs1603223651, ClinGen allele CA913169972.

ClinVar aggregate classification (germline): Benign (1 of 4 stars; one submission).

Conditions:
MELAS syndrome (MELAS). Also called: Juvenile myopathy, encephalopathy, lactic acidosis, stroke. Identifiers: Orphanet 550, MedGen C0162671, MONDO:0010789, OMIM 540000.

Submission:

Wong Mito Lab, Molecular and Human Genetics, Baylor College of Medicine
Classification: Benign for MELAS syndrome. Last evaluated: 2019-07-12. Review status: criteria provided, single submitter. Criteria: Modified ACMG Guidelines (Unpublished). Collection method: clinical testing. Allele origin: germline.
Comment: The NC_012920.1:m.12281C>T variant in MT-TL2 gene is interpreted to be a Benign variant based on the modified ACMG guidelines (unpublished). This variant meets the following evidence codes reported in the guidelines: BS1, BS2, BP4

Literature cited by the submitters: PubMed 31965079.